The following is an entry in ClinVar:

NM_000070.3(CAPN3):c.2008G>A (p.Ala670Thr)

Gene: CAPN3 (calpain 3; plus strand). Cytogenetic location: 15q15.1.
Variant type: single nucleotide variant.
Coding change: c.2008G>A on transcript NM_000070.3 (MANE Select); coding-DNA position 2008, G replaced by A.
Protein change: p.Ala670Thr; replaces alanine 670 with threonine.
Molecular consequence: missense variant.
Genome position (GRCh38, 1-based): chr15:42,409,802, G>A. VCF-style: chr15-42409802-G-A. GRCh37 (hg19) VCF-style: chr15-42702000-G-A.
Other names: c.1990G>A, p.Ala664Thr (NM_024344.2); c.1732G>A, p.Ala578Thr (NM_173087.2); c.472G>A, p.Ala158Thr (NM_173088.2); c.13G>A, p.Ala5Thr (NM_173089.2, NM_173090.2); c.*1106G>A (NM_212464.2); c.*1683G>A (NM_212467.2); short protein forms A158T, A5T, A578T, A670T, A664T.
Identifiers: ClinVar variation 2886654 (VCV002886654.3), dbSNP rs2054148651, ClinGen allele CA392001353.
Genomic context (GRCh38, chr15:42,409,802, plus strand): 5'-CTGCTGTACTCCTGAACCATGACCCTCCTCTCCCTTCCTCCTCAGGACATGGAGATCTGT[G>A]CAGATGAGCTCAAGAAGGTCCTTAACACAGTCGTGAACAAACGTGAGTTGCTCAAACCAA-3'
Protein context (NP_000061.1, residues 660-680): QIAGDDMEIC[Ala670Thr]DELKKVLNTV

ClinVar aggregate classification (germline): Uncertain significance (1 of 4 stars; one submission).

Conditions:
Autosomal recessive limb-girdle muscular dystrophy type 2A (LGMDR1). Also called: Limb-girdle muscular dystrophy, type 2A; Calpainopathy; Muscular dystrophy, limb-girdle, type 2A, Amish; LEYDEN-MOEBIUS MUSCULAR DYSTROPHY; MUSCULAR DYSTROPHY, PELVOFEMORAL. Identifiers: Orphanet 267, MedGen C1869123, MONDO:0009675, OMIM 253600. Disease mechanism: loss of function.

Allele frequency attached by ClinVar (database versions not stated): gnomAD 0.00001.
gnomAD v4.1: 1 of 1,571,154 alleles (0.000064%); highest among the groups gnomAD compares: Non-Finnish European, 0.000087%; no homozygotes.

Submission:

Labcorp Genetics (formerly Invitae), Labcorp
Classification: Uncertain significance for Autosomal recessive limb-girdle muscular dystrophy type 2A. Last evaluated: 2023-08-16. Review status: criteria provided, single submitter. Criteria: Invitae Variant Classification Sherloc (09022015). Collection method: clinical testing. Allele origin: germline.
Comment: This sequence change replaces alanine, which is neutral and non-polar, with threonine, which is neutral and polar, at codon 670 of the CAPN3 protein (p.Ala670Thr). This variant is not present in population databases (gnomAD no frequency). This variant has not been reported in the literature in individuals affected with CAPN3-related conditions. Advanced modeling of protein sequence and biophysical properties (such as structural, functional, and spatial information, amino acid conservation, physicochemical variation, residue mobility, and thermodynamic stability) performed at Invitae indicates that this missense variant is not expected to disrupt CAPN3 protein function. In summary, the available evidence is currently insufficient to determine the role of this variant in disease. Therefore, it has been classified as a Variant of Uncertain Significance.